The following is an entry in ClinVar:

ClinVar aggregate classification (germline): Uncertain significance. Review status: criteria provided, single submitter (1 of 4 stars). 2 submissions from 2 submitters: Uncertain significance (1). 1 of the submissions does not count toward it. Last evaluated 2023-01-17.

Conditions:
Inborn genetic diseases. Identifiers: MedGen C0950123, MeSH D030342.
SMAD9-related disorder. Also called: SMAD9-related condition.

Allele frequency attached by ClinVar (database versions not stated): gnomAD exomes below 0.00001.
gnomAD v4.1: 3 of 1,614,076 alleles (0.00019%); highest among the groups gnomAD compares: Non-Finnish European, 0.00017%; no homozygotes.

Submissions (2):

Ambry Genetics
Classification: Uncertain significance for Inborn genetic diseases. Last evaluated: 2023-01-17. Review status: criteria provided, single submitter. Criteria: Ambry Variant Classification Scheme 2023. Collection method: clinical testing. Allele origin: germline.

PreventionGenetics, part of Exact Sciences
Classification: Uncertain significance for SMAD9-related condition. Last evaluated: 2023-10-20. Review status: no assertion criteria provided. Collection method: clinical testing. Allele origin: germline. Not counted in ClinVar's aggregate classification.
Comment: The SMAD9 c.563C>T variant is predicted to result in the amino acid substitution p.Ala188Val. To our knowledge, this variant has not been reported in the literature. This variant is reported in 0.0029% of alleles in individuals of Latino descent in gnomAD. At this time, the clinical significance of this variant is uncertain due to the absence of conclusive functional and genetic evidence.

NM_001127217.3(SMAD9):c.563C>T (p.Ala188Val)

Gene: SMAD9 (SMAD family member 9; minus strand). Cytogenetic location: 13q13.3.
Variant type: single nucleotide variant.
Coding change: c.563C>T on transcript NM_001127217.3 (MANE Select); coding-DNA position 563, C replaced by T.
Protein change: p.Ala188Val; replaces alanine 188 with valine.
Molecular consequence: missense variant.
Genome position (GRCh38, 1-based): chr13:36,872,765, G>A on the plus strand (C>T on the coding strand, the complement: SMAD9 is on the minus strand). VCF-style: chr13-36872765-G-A. GRCh37 (hg19) VCF-style: chr13-37446902-G-A.
Other names: c.563C>T, p.Ala188Val (NM_001378621.1, NM_005905.6); short protein forms A188V.
Identifiers: ClinVar variation 2476130 (VCV002476130.4), dbSNP rs1566022560, ClinGen allele CA387871793.